The following is an entry in ClinVar:

NM_000535.7(PMS2):c.1145-29_1145-24del

Gene: PMS2 (PMS1 homolog 2, mismatch repair system component; minus strand). Cytogenetic location: 7p22.1.
Variant type: Deletion.
Coding change: c.1145-29_1145-24del on transcript NM_000535.7 (MANE Select); 29 bases into the intron before coding-DNA position 1145 through 24 bases into the intron before coding-DNA position 1145, 6 bases deleted (GACCCT; older notation c.1145-29_1145-24delGACCCT).
Molecular consequence: intron variant.
Genome position (GRCh38, 1-based): chr7:5,987,644-5,987,649, AGGGTC deleted on the plus strand (GACCCT on the coding strand, the reverse complement: PMS2 is on the minus strand); deleting any 6 consecutive bases within chr7:5,987,644-5,987,653 gives the same sequence; the c. name uses the placement nearest the transcript's 3' end. VCF-style (leftmost placement, unchanged base first): chr7-5987643-GAGGGTC-G. GRCh37 (hg19) VCF-style: chr7-6027274-GAGGGTC-G.
Other names: c.827-29_827-24del (NM_001322008.2, NM_001406883.1, NM_001406903.1 and 2 more transcripts); c.836-29_836-24del (NM_001406881.1, NM_001406879.1, NM_001322015.2 and 5 more transcripts); c.740-29_740-24del (NM_001406895.1, NM_001322004.2, NM_001406889.1 and 16 more transcripts); c.374-29_374-24del (NM_001406911.1); c.584-29_584-24del (NM_001322010.2, NM_001406906.1, NM_001406907.1); c.671-29_671-24del (NM_001406902.1, NM_001406901.1); c.632-29_632-24del (NM_001406904.1, NM_001406905.1); c.572-29_572-24del (NM_001322013.2, NM_001406909.1); and 13 more.
Identifiers: ClinVar variation 4721656 (VCV004721656.1).

ClinVar aggregate classification (germline): Uncertain significance (1 of 4 stars; one submission).

Conditions:
Hereditary nonpolyposis colorectal neoplasms. Identifiers: MedGen C0009405, MeSH D003123.

Submission:

Labcorp Genetics (formerly Invitae), Labcorp
Classification: Uncertain significance for Hereditary nonpolyposis colorectal neoplasms. Last evaluated: 2025-06-18. Review status: criteria provided, single submitter. Criteria: Invitae Variant Classification Sherloc (09022015). Collection method: clinical testing. Allele origin: germline.
Comment: This sequence change falls in intron 10 of the PMS2 gene. It does not directly change the encoded amino acid sequence of the PMS2 protein. This variant is not present in population databases (gnomAD no frequency). This variant has not been reported in the literature in individuals affected with PMS2-related conditions. Algorithms developed to predict the effect of sequence changes on RNA splicing suggest that this variant may disrupt the consensus splice site. In summary, the available evidence is currently insufficient to determine the role of this variant in disease. Therefore, it has been classified as a Variant of Uncertain Significance.